The following is an entry in ClinVar:

NM_001267550.2(TTN):c.11311+3584A>G

Gene: TTN (titin; minus strand). Cytogenetic location: 2q31.2.
Variant type: single nucleotide variant.
Coding change: c.11311+3584A>G on transcript NM_001267550.2 (MANE Select); 3584 bases into the intron after coding-DNA position 11311, A replaced by G.
Molecular consequence: intron variant. On other transcripts: missense variant (1).
Genome position (GRCh38, 1-based): chr2:178,749,540, T>C on the plus strand (A>G on the coding strand, the complement: TTN is on the minus strand). VCF-style: chr2-178749540-T-C. GRCh37 (hg19) VCF-style: chr2-179614267-T-C.
Other names: c.12860A>G, p.Tyr4287Cys (NM_133379.5); c.10222+3584A>G (NM_003319.4); c.10798+3584A>G (NM_133437.4); c.10597+3584A>G (NM_133432.3); c.10360+3584A>G (NM_133378.4, NM_001256850.1); short protein forms Y4287C.
Identifiers: ClinVar variation 3376041 (VCV003376041.1).

ClinVar aggregate classification (germline): Uncertain significance (1 of 4 stars; one submission).

gnomAD v4.1: 28 of 1,612,834 alleles (0.0017%); highest among the groups gnomAD compares: East Asian, 0.036%; no homozygotes.

Submission:

GeneDx
Classification: Uncertain significance. Last evaluated: 2024-05-09. Review status: criteria provided, single submitter. Criteria: GeneDx Variant Classification Process June 2021. Collection method: clinical testing. Allele origin: germline. Affected: yes.
Comment: Not observed at significant frequency in large population cohorts (gnomAD); Missense variant in a gene in which most reported pathogenic variants are truncating/loss of function; Has not been previously published as pathogenic or benign to our knowledge